The following is an entry in ClinVar:

ClinVar aggregate classification (germline): Uncertain significance. Review status: criteria provided, multiple submitters, no conflicts (2 of 4 stars). 4 submissions from 4 submitters: Uncertain significance (4). Last evaluated 2025-12-22.

Conditions:
LZTR1-related schwannomatosis. Also called: Schwannomatosis-2, susceptibility to; Schwannomatosis 2. Identifiers: Orphanet 93921, MedGen C3810283, MONDO:0014299, OMIM 615670.
Hereditary cancer-predisposing syndrome. Also called: Neoplastic Syndromes, Hereditary; Hereditary Cancer Syndrome; Hereditary neoplastic syndrome; Tumor predisposition. Identifiers: Orphanet 140162, MedGen C0027672, MeSH D009386, MONDO:0015356.
Cardiovascular phenotype. Identifiers: MedGen CN230736.
Noonan syndrome 2 (NS2). Identifiers: Orphanet 648, MedGen C1854469, MONDO:0011531, OMIM 605275.
Noonan syndrome 10 (NS10). Identifiers: Orphanet 648, MedGen C4225280, MONDO:0014693, OMIM 616564.

Allele frequency attached by ClinVar (database versions not stated): gnomAD exomes 0.00003 and 0.00004; TOPMed 0.00003; ExAC 0.00006.

Submissions (4):

Labcorp Genetics (formerly Invitae), Labcorp
Classification: Uncertain significance. Last evaluated: 2025-12-22. Review status: criteria provided, single submitter. Criteria: Invitae Variant Classification Sherloc (09022015). Collection method: clinical testing. Allele origin: germline.
Comment: This sequence change replaces alanine, which is neutral and non-polar, with threonine, which is neutral and polar, at codon 399 of the LZTR1 protein (p.Ala399Thr). This variant is present in population databases (rs778238285, gnomAD 0.009%). This variant has not been reported in the literature in individuals affected with LZTR1-related conditions. ClinVar contains an entry for this variant (Variation ID: 1060392). Invitae Evidence Modeling of protein sequence and biophysical properties (such as structural, functional, and spatial information, amino acid conservation, physicochemical variation, residue mobility, and thermodynamic stability) indicates that this missense variant is not expected to disrupt LZTR1 protein function with a negative predictive value of 80%. In summary, the available evidence is currently insufficient to determine the role of this variant in disease. Therefore, it has been classified as a Variant of Uncertain Significance.

Ambry Genetics
Classification: Uncertain significance for Cardiovascular phenotype; Hereditary cancer-predisposing syndrome. Last evaluated: 2025-07-25. Review status: criteria provided, single submitter. Criteria: Ambry Variant Classification Scheme 2023. Collection method: clinical testing. Allele origin: germline.
Comment: The p.A399T variant (also known as c.1195G>A), located in coding exon 11 of the LZTR1 gene, results from a G to A substitution at nucleotide position 1195. The alanine at codon 399 is replaced by threonine, an amino acid with similar properties. This amino acid position is highly conserved in available vertebrate species. In addition, this alteration is predicted to be tolerated by in silico analysis. Based on the available evidence, the clinical significance of this variant remains unclear.

Fulgent Genetics
Classification: Uncertain significance for Noonan syndrome 2; LZTR1-related schwannomatosis; Noonan syndrome 10. Last evaluated: 2024-02-06. Review status: criteria provided, single submitter. Criteria: ACMG Guidelines, 2015. Collection method: clinical testing. Allele origin: germline.

Baylor Genetics
Classification: Uncertain significance for LZTR1-related schwannomatosis. Last evaluated: 2023-10-16. Review status: criteria provided, single submitter. Criteria: ACMG Guidelines, 2015. Collection method: clinical testing. Allele origin: unknown.

NM_006767.4(LZTR1):c.1195G>A (p.Ala399Thr)

Gene: LZTR1 (leucine zipper like post translational regulator 1; plus strand). Cytogenetic location: 22q11.21.
Variant type: single nucleotide variant.
Coding change: c.1195G>A on transcript NM_006767.4 (MANE Select); coding-DNA position 1195, G replaced by A.
Protein change: p.Ala399Thr; replaces alanine 399 with threonine.
Molecular consequence: missense variant.
Genome position (GRCh38, 1-based): chr22:20,992,839, G>A. VCF-style: chr22-20992839-G-A. GRCh37 (hg19) VCF-style: chr22-21347128-G-A.
Other names: short protein forms A399T.
Identifiers: ClinVar variation 1060392 (VCV001060392.13), dbSNP rs778238285, ClinGen allele CA10118761.
Genomic context (GRCh38, chr22:20,992,839, plus strand): 5'-CTTCTTGTCCCCCAGCTGCCCAGTGGGAGGCTCTTCCACGCGGCTGCTGTCATCTCGGAC[G>A]CCATGTACATCTTCGGGGGCACGGTGGACAACAACATCCGCAGCGGGGAGATGTACAGGT-3'
Protein context (NP_006758.2, residues 389-409): LFHAAAVISD[Ala399Thr]MYIFGGTVDN